The following is an entry in ClinVar:

ClinVar aggregate classification (germline): Uncertain significance. Review status: criteria provided, multiple submitters, no conflicts (2 of 4 stars). 2 submissions from 2 submitters: Uncertain significance (2). Last evaluated 2024-10-31.

Conditions:
Inborn genetic diseases. Identifiers: MedGen C0950123, MeSH D030342.
Pallister-Hall syndrome (PHS). Also called: HYPOTHALAMIC HAMARTOBLASTOMA, HYPOPITUITARISM, IMPERFORATE ANUS, AND POSTAXIAL POLYDACTYLY; GLI3-Related Pallister-Hall Syndrome. Identifiers: Orphanet 672, MedGen C0265220, MONDO:0007804, OMIM 146510.
Greig cephalopolysyndactyly syndrome (GCPS). Also called: POLYSYNDACTYLY WITH PECULIAR SKULL SHAPE; Greig syndrome; GLI3-Related Greig Cephalopolysyndactyly Syndrome. Identifiers: Orphanet 380, MedGen C0265306, MONDO:0008287, OMIM 175700.

Submissions (2):

Labcorp Genetics (formerly Invitae), Labcorp
Classification: Uncertain significance for Pallister-Hall syndrome; Greig cephalopolysyndactyly syndrome. Last evaluated: 2024-10-31. Review status: criteria provided, single submitter. Criteria: Invitae Variant Classification Sherloc (09022015). Collection method: clinical testing. Allele origin: germline.
Comment: This sequence change replaces asparagine, which is neutral and polar, with serine, which is neutral and polar, at codon 1355 of the GLI3 protein (p.Asn1355Ser). This variant is not present in population databases (gnomAD no frequency). This variant has not been reported in the literature in individuals affected with GLI3-related conditions. ClinVar contains an entry for this variant (Variation ID: 2231990). Invitae Evidence Modeling of protein sequence and biophysical properties (such as structural, functional, and spatial information, amino acid conservation, physicochemical variation, residue mobility, and thermodynamic stability) indicates that this missense variant is not expected to disrupt GLI3 protein function with a negative predictive value of 95%. In summary, the available evidence is currently insufficient to determine the role of this variant in disease. Therefore, it has been classified as a Variant of Uncertain Significance.

Ambry Genetics
Classification: Uncertain significance for Inborn genetic diseases. Last evaluated: 2021-06-11. Review status: criteria provided, single submitter. Criteria: Ambry Variant Classification Scheme 2023. Collection method: clinical testing. Allele origin: germline.

NM_000168.6(GLI3):c.4064A>G (p.Asn1355Ser)

Gene: GLI3 (GLI family zinc finger 3; minus strand). Cytogenetic location: 7p14.1.
Variant type: single nucleotide variant.
Coding change: c.4064A>G on transcript NM_000168.6 (MANE Select); coding-DNA position 4064, A replaced by G.
Protein change: p.Asn1355Ser; replaces asparagine 1355 with serine.
Molecular consequence: missense variant.
Genome position (GRCh38, 1-based): chr7:41,965,009, T>C on the plus strand (A>G on the coding strand, the complement: GLI3 is on the minus strand). VCF-style: chr7-41965009-T-C. GRCh37 (hg19) VCF-style: chr7-42004607-T-C.
Other names: short protein forms N1355S.
Identifiers: ClinVar variation 2231990 (VCV002231990.4), dbSNP rs2484366729, ClinGen allele CA367315843.